The following is an entry in ClinVar:

ClinVar aggregate classification (germline): Uncertain significance (1 of 4 stars; one submission).

Conditions:
Polyhydramnios, megalencephaly, and symptomatic epilepsy (PMSE). Also called: PMSE SYNDROME. Identifiers: Orphanet 500533, MedGen C1970203, MONDO:0012611, OMIM 611087.

Submission:

Labcorp Genetics (formerly Invitae), Labcorp
Classification: Uncertain significance for Polyhydramnios, megalencephaly, and symptomatic epilepsy. Last evaluated: 2022-07-01. Review status: criteria provided, single submitter. Criteria: Invitae Variant Classification Sherloc (09022015). Collection method: clinical testing. Allele origin: germline.
Comment: In summary, the available evidence is currently insufficient to determine the role of this variant in disease. Therefore, it has been classified as a Variant of Uncertain Significance. Algorithms developed to predict the effect of missense changes on protein structure and function are either unavailable or do not agree on the potential impact of this missense change (SIFT: "Tolerated"; PolyPhen-2: "Possibly Damaging"; Align-GVGD: "Class C0"). This variant has not been reported in the literature in individuals affected with STRADA-related conditions. This variant is not present in population databases (gnomAD no frequency). This sequence change replaces histidine, which is basic and polar, with proline, which is neutral and non-polar, at codon 223 of the STRADA protein (p.His223Pro).

NM_001003787.4(STRADA):c.668A>C (p.His223Pro)

Gene: STRADA (STE20 related adaptor alpha; minus strand). Cytogenetic location: 17q23.3.
Variant type: single nucleotide variant.
Coding change: c.668A>C on transcript NM_001003787.4 (MANE Select); coding-DNA position 668, A replaced by C.
Protein change: p.His223Pro; replaces histidine 223 with proline.
Molecular consequence: missense variant.
Genome position (GRCh38, 1-based): chr17:63,707,332, T>G on the plus strand (A>C on the coding strand, the complement: STRADA is on the minus strand). VCF-style: chr17-63707332-T-G. GRCh37 (hg19) VCF-style: chr17-61784692-T-G.
Other names: c.557A>C, p.His186Pro (NM_001003786.3, NM_001363789.1, NM_153335.6); c.494A>C, p.His165Pro (NM_001003788.3, NM_001363790.1, NM_001363791.1); c.581A>C, p.His194Pro (NM_001165969.2, NM_001363787.1, NM_001411084.1); c.536A>C, p.His179Pro (NM_001165970.2); c.644A>C, p.His215Pro (NM_001363786.1); c.668A>C, p.His223Pro (NM_001363788.1, NM_001411083.1); short protein forms H223P, H179P, H194P, H165P, H186P, H215P.
Identifiers: ClinVar variation 2012443 (VCV002012443.4), dbSNP rs2036165832, ClinGen allele CA400591497.